The following is an entry in ClinVar:

NC_000018.9:g.(?_46450976)_(46690177_?)dup

Genes: DYM (dymeclin; minus strand), SMAD7 (SMAD family member 7; minus strand). Cytogenetic location: 18q21.1.
Variant type: Duplication.
Identifiers: ClinVar variation 2426339 (VCV002426339.3).

ClinVar aggregate classification (germline): Uncertain significance (1 of 4 stars; one submission).

Submission:

Labcorp Genetics (formerly Invitae), Labcorp
Classification: Uncertain significance. Last evaluated: 2022-08-12. Review status: criteria provided, single submitter. Criteria: Invitae Variant Classification Sherloc (09022015). Collection method: clinical testing. Allele origin: germline.
Comment: In summary, the available evidence is currently insufficient to determine the role of this variant in disease. Therefore, it has been classified as a Variant of Uncertain Significance. This variant has not been reported in the literature in individuals affected with DYM-related conditions. This variant results in a copy number gain of the genomic region encompassing exon(s) 14-17 of the DYM gene. This region includes the termination codon of the gene. This copy number gain extends beyond the assayed region for this gene and therefore may encompass additional genes. As the precise location of this event is unknown, it may be in tandem or it may be located elsewhere in the genome.